The following is an entry in ClinVar:

ClinVar aggregate classification (germline): Uncertain significance (1 of 4 stars; one submission).

Conditions:
Vissers-Bodmer syndrome. Identifiers: MedGen C5436647, MONDO:0033618, OMIM 619033.

Allele frequency attached by ClinVar (database versions not stated): gnomAD exomes below 0.00001; gnomAD 0.00001; ExAC 0.00002.
gnomAD v4.1: 5 of 1,614,000 alleles (0.00031%); highest among the groups gnomAD compares: Non-Finnish European, 0.00017%; no homozygotes.

Submission:

Victorian Clinical Genetics Services, Murdoch Childrens Research Institute
Classification: Uncertain significance for Vissers-Bodmer syndrome. Last evaluated: 2023-12-21. Review status: criteria provided, single submitter. Criteria: ACMG Guidelines, 2015. Collection method: clinical testing. Allele origin: germline. Inheritance: Autosomal dominant inheritance. Affected: yes.
Comment: Based on the classification scheme VCGS_Germline_v1.3.4, this variant is classified as VUS-3A. Following criteria are met: 0102 - Loss of function is a known mechanism of disease in this gene and is associated with Vissers-Bodmer syndrome (MIM#619033). (I) 0107 - This gene is associated with autosomal dominant disease. Holoprosencephaly 12 with or without pancreatic agenesis (MIM#618500) has been associated with the recurrent variant, p.(Arg535Cys) (PMID: 32553196). (I) 0200 - Variant is predicted to result in a missense amino acid change from arginine to histidine. (I) 0251 - This variant is heterozygous. (I) 0302 - Variant is present in gnomAD <0.001 for a dominant condition (v2+v3: 3 heterozygotes, 0 homozygotes). (SP) 0309 - An alternative amino acid change at the same position has been observed in gnomAD (v2: 1 heterozygote, 0 homozygotes). (I) 0502 - Missense variant with conflicting in silico predictions and uninformative conservation. (I) 0600 - Variant is located in the annotated DUF3819 domain (DECIPHER). (I) 0704 - Another missense variant comparable to the one identified in this case has limited previous evidence for pathogenicity. p.(Arg1478Cys) was identified as a de novo variant in an individual with global developmental delay and frontal lobe dysplasia (PMID: 32553196). (SP) 0807 - This variant has no previous evidence of pathogenicity. (I) 0905 - No published segregation evidence has been identified for this variant. (I) 1007 - No published functional evidence has been identified for this variant. (SP) Legend: (SP) - Supporting pathogenic, (I) - Information, (SB) - Supporting benign

Literature cited by the submitters: PubMed 32553196.

NM_016284.5(CNOT1):c.4433G>A (p.Arg1478His)

Gene: CNOT1 (CCR4-NOT transcription complex subunit 1; minus strand). Cytogenetic location: 16q21.
Variant type: single nucleotide variant.
Coding change: c.4433G>A on transcript NM_016284.5 (MANE Select); coding-DNA position 4433, G replaced by A.
Protein change: p.Arg1478His; replaces arginine 1478 with histidine.
Molecular consequence: missense variant. On other transcripts: non-coding transcript variant (1).
Genome position (GRCh38, 1-based): chr16:58,543,608, C>T on the plus strand (G>A on the coding strand, the complement: CNOT1 is on the minus strand). VCF-style: chr16-58543608-C-T. GRCh37 (hg19) VCF-style: chr16-58577512-C-T.
Other names: c.4433G>A, p.Arg1478His (NM_206999.3); c.4418G>A, p.Arg1473His (NM_001265612.2); short protein forms R1473H, R1478H.
Identifiers: ClinVar variation 3254970 (VCV003254970.1), dbSNP rs757123511.
Genomic context (GRCh38, chr16:58,543,608, plus strand): 5'-ATTATTACAGACAAGCAGTAATACGTTTTGTACCTATACCAAGGAAATAGCCAACTTACA[C>T]GAAGGGCTGAGGCAAAACTGTTTTTTAAGTTGGTAGATATGCTCATGAGCAAAGGTTCCC-3'
Protein context (NP_057368.3, residues 1468-1488): NLKNSFASAL[Arg1478His]TASPQQREMM